The following is an entry in ClinVar:

NM_020843.4(SCAPER):c.195+1G>A

Gene: SCAPER (S-phase cyclin A associated protein in the ER; minus strand). Cytogenetic location: 15q24.3.
Variant type: single nucleotide variant.
Coding change: c.195+1G>A on transcript NM_020843.4 (MANE Select); the canonical splice donor site of the intron after coding-DNA position 195, G replaced by A.
Molecular consequence: splice donor variant.
Genome position (GRCh38, 1-based): chr15:76,857,808, C>T on the plus strand (G>A on the coding strand, the complement: SCAPER is on the minus strand). VCF-style: chr15-76857808-C-T. GRCh37 (hg19) VCF-style: chr15-77150149-C-T.
Other names: c.-326+1G>A (NM_001353011.2); c.-208+1G>A (NM_001353012.2); c.195+1G>A (NM_001353009.2); c.-263+1G>A (NM_001353010.2); c.-770+1G>A (NM_001145923.2).
Identifiers: ClinVar variation 4979395 (VCV004979395.1).
Genomic context (GRCh38, chr15:76,857,808, plus strand): 5'-TATAATACATTCAGAAATTGAAATTAAAAGTAAATAAGTAAAAAAGTTATAGATGCTGTA[C>T]CTGTTTAGTAGTTTTATGAGTGCCTTGAATGGTCCTCTTAGATTTTCCACCAGTTTGACA-3'

ClinVar aggregate classification (germline): Likely pathogenic (1 of 4 stars; one submission).

Conditions:
SCAPER-related disorder. Also called: SCAPER-related condition.

gnomAD v4.1: 4 of 1,523,852 alleles (0.00026%); highest among the groups gnomAD compares: African/African-American, 0.0028%; no homozygotes.

Submission:

PreventionGenetics, part of Exact Sciences
Classification: Likely pathogenic for SCAPER-related condition. Last evaluated: 2026-06-15. Review status: criteria provided, single submitter. Criteria: ACMG Guidelines, 2015. Collection method: clinical testing. Allele origin: germline.
Comment: The SCAPER c.195+1G>A variant is predicted to disrupt the GT donor site and interfere with normal splicing. To our knowledge, this variant has not been reported in the literature. This variant is reported in 0.011% of alleles in individuals of Ashkenazi Jewish descent in gnomAD. Variants that disrupt the consensus splice donor site in SCAPER are expected to be pathogenic. This variant is interpreted as likely pathogenic.